The following is an entry in ClinVar:

NM_001365951.3(KIF1B):c.109A>G (p.Ile37Val)

Gene: KIF1B (kinesin family member 1B; plus strand). Cytogenetic location: 1p36.22.
Variant type: single nucleotide variant.
Coding change: c.109A>G on transcript NM_001365951.3 (MANE Select); coding-DNA position 109, A replaced by G.
Protein change: p.Ile37Val; replaces isoleucine 37 with valine.
Molecular consequence: missense variant.
Genome position (GRCh38, 1-based): chr1:10,256,249, A>G. VCF-style: chr1-10256249-A-G. GRCh37 (hg19) VCF-style: chr1-10316307-A-G.
Other names: c.109A>G, p.Ile37Val (NM_001365952.1, NM_001365953.1, NM_015074.3 and 1 more transcripts); short protein forms I37V.
Identifiers: ClinVar variation 1414650 (VCV001414650.8), dbSNP rs779530504, ClinGen allele CA580616.

ClinVar aggregate classification (germline): Uncertain significance. Review status: criteria provided, multiple submitters, no conflicts (2 of 4 stars). 3 submissions from 3 submitters: Uncertain significance (3). Last evaluated 2024-06-21.

Conditions:
Charcot-Marie-Tooth disease type 2. Also called: Charcot-Marie-Tooth type 2. Identifiers: Orphanet 64746, MedGen C0270914, MONDO:0018993.
Charcot-Marie-Tooth disease type 2A1. Also called: CHARCOT-MARIE-TOOTH DISEASE, AXONAL, TYPE 2A1; CHARCOT-MARIE-TOOTH DISEASE, AXONAL, AUTOSOMAL DOMINANT, TYPE 2A1; CHARCOT-MARIE-TOOTH DISEASE, NEURONAL, TYPE 2A1; CHARCOT-MARIE-TOOTH NEUROPATHY, TYPE 2A1; HEREDITARY MOTOR AND SENSORY NEUROPATHY IIA1. Identifiers: Orphanet 99946, MedGen C1861678, MONDO:0007308, OMIM 118210.
Neuroblastoma, susceptibility to, 1. Identifiers: MedGen C2749485, MONDO:0009741, OMIM 256700.

Allele frequency attached by ClinVar (database versions not stated): ExAC 0.00001; gnomAD 0.00001; gnomAD exomes 0.00001 and below 0.00001; TOPMed 0.00002.
gnomAD v4.1: 15 of 1,592,710 alleles (0.00094%); highest among the groups gnomAD compares: Admixed American, 0.0033%; no homozygotes.

Submissions (3):

Fulgent Genetics
Classification: Uncertain significance for Charcot-Marie-Tooth disease type 2A1; Neuroblastoma, susceptibility to, 1. Last evaluated: 2024-06-21. Review status: criteria provided, single submitter. Criteria: ACMG Guidelines, 2015. Collection method: clinical testing. Allele origin: germline.

Ambry Genetics
Classification: Uncertain significance. Last evaluated: 2024-02-23. Review status: criteria provided, single submitter. Criteria: Ambry Variant Classification Scheme 2023. Collection method: clinical testing. Allele origin: germline.
Comment: The p.I37V variant (also known as c.109A>G), located in coding exon 2 of the KIF1B gene, results from an A to G substitution at nucleotide position 109. The isoleucine at codon 37 is replaced by valine, an amino acid with highly similar properties. This amino acid position is highly conserved in available vertebrate species. In addition, the in silico prediction for this alteration is inconclusive. The evidence for this gene-disease relationship is limited; therefore, the clinical significance of this alteration is unclear.

Labcorp Genetics (formerly Invitae), Labcorp
Classification: Uncertain significance for Charcot-Marie-Tooth disease type 2. Last evaluated: 2021-10-02. Review status: criteria provided, single submitter. Criteria: Invitae Variant Classification Sherloc (09022015). Collection method: clinical testing. Allele origin: germline.
Comment: This sequence change replaces isoleucine with valine at codon 37 of the KIF1B protein (p.Ile37Val). The isoleucine residue is highly conserved and there is a small physicochemical difference between isoleucine and valine. This variant is present in population databases (rs779530504, ExAC 0.009%). This variant has not been reported in the literature in individuals affected with KIF1B-related conditions. Algorithms developed to predict the effect of missense changes on protein structure and function (SIFT, PolyPhen-2, Align-GVGD) all suggest that this variant is likely to be disruptive. In summary, the available evidence is currently insufficient to determine the role of this variant in disease. Therefore, it has been classified as a Variant of Uncertain Significance.